The following is an entry in ClinVar:

NM_004958.4(MTOR):c.5812-3C>A

Gene: MTOR (mechanistic target of rapamycin kinase; minus strand). Cytogenetic location: 1p36.22.
Variant type: single nucleotide variant.
Coding change: c.5812-3C>A on transcript NM_004958.4 (MANE Select); 3 bases into the intron before coding-DNA position 5812, C replaced by A.
Molecular consequence: intron variant.
Genome position (GRCh38, 1-based): chr1:11,128,555, G>T on the plus strand (C>A on the coding strand, the complement: MTOR is on the minus strand). VCF-style: chr1-11128555-G-T. GRCh37 (hg19) VCF-style: chr1-11188612-G-T.
Other names: c.4564-3C>A (NM_001386501.1); c.5812-3C>A (NM_001386500.1).
Identifiers: ClinVar variation 4881787 (VCV004881787.2).

ClinVar aggregate classification (germline): Uncertain significance (1 of 4 stars; one submission).

Submission:

Dasa
Classification: Uncertain significance. Last evaluated: 2025-12-01. Review status: criteria provided, single submitter. Criteria: DASA Assertion Criteria. Collection method: clinical testing. Allele origin: germline.
Comment: NM_004958.4(MTOR):c.5812-3C>A is a splice-region variant. This variant is absent from population databases. Computational prediction algorithms are consistent with a deleterious effect. The currently available literature and clinical evidence are not sufficient to establish a definitive association between this variant and the reported condition. Therefore, this variant is classified as a variant of uncertain significance.